The following is an entry in ClinVar:

NM_015189.3(EXOC6B):c.2122C>T (p.Gln708Ter)

Gene: EXOC6B (exocyst complex component 6B; minus strand). Cytogenetic location: 2p13.2.
Variant type: single nucleotide variant.
Coding change: c.2122C>T on transcript NM_015189.3 (MANE Select); coding-DNA position 2122, C replaced by T.
Protein change: p.Gln708Ter; replaces glutamine 708 with a stop codon.
Molecular consequence: nonsense. On other transcripts: non-coding transcript variant (1).
Genome position (GRCh38, 1-based): chr2:72,379,729, G>A on the plus strand (C>T on the coding strand, the complement: EXOC6B is on the minus strand). VCF-style: chr2-72379729-G-A. GRCh37 (hg19) VCF-style: chr2-72606858-G-A.
Other names: c.2122C>T, p.Gln708Ter (NM_001321729.2, NM_001321731.2); c.1987C>T, p.Gln663Ter (NM_001321730.2, NM_001321733.2); c.1783C>T, p.Gln595Ter (NM_001321734.2); short protein forms Q595*, Q663*, Q708*.
Identifiers: ClinVar variation 4849342 (VCV004849342.1).
Genomic context (GRCh38, chr2:72,379,729, plus strand): 5'-CCCTGACAGAAATGAGTTTGCTGGTAAGATAAACAAGCACAGGGATGGTCACTGTCTTAC[G>A]TTCACATTCTCTGACGTCCAAGTTGAACTGCTGTAATGCTCCCAAGGTGAGCTGCCGCAC-3'

ClinVar aggregate classification (germline): Likely pathogenic (1 of 4 stars; one submission).

Conditions:
Spondyloepimetaphyseal dysplasia with joint laxity, type 3. Also called: EXOC6B-Related Spondyloepimetaphyseal Dysplasia with Joint Laxity. Identifiers: Orphanet 642085, MedGen C5193073, MONDO:0032724, OMIM 618395.

Submission:

First Genomix Gene Laboratory, Genetic Diagnostics Department
Classification: Likely pathogenic for Spondyloepimetaphyseal dysplasia with joint laxity, type 3. Last evaluated: 2025-07-11. Review status: criteria provided, single submitter. Criteria: ACMG Guidelines, 2015. Collection method: clinical testing. Allele origin: germline. Inheritance: Autosomal recessive inheritance. Affected: no. Observed: 1 variant allele.